The following is an entry in ClinVar:

ClinVar aggregate classification (germline): Pathogenic (1 of 4 stars; one submission).

Conditions:
Tuberous sclerosis 1 (TSC1). Identifiers: Orphanet 805, MedGen C1854465, MONDO:0008612, OMIM 191100.

Submission:

Labcorp Genetics (formerly Invitae), Labcorp
Classification: Pathogenic for Tuberous sclerosis 1. Last evaluated: 2022-02-11. Review status: criteria provided, single submitter. Criteria: Invitae Variant Classification Sherloc (09022015). Collection method: clinical testing. Allele origin: germline.
Comment: This sequence change creates a premature translational stop signal (p.Tyr49*) in the TSC1 gene. It is expected to result in an absent or disrupted protein product. Loss-of-function variants in TSC1 are known to be pathogenic (PMID: 10227394, 17304050). This variant has not been reported in the literature in individuals affected with TSC1-related conditions. For these reasons, this variant has been classified as Pathogenic. This variant is not present in population databases (gnomAD no frequency).

Literature cited by the submitters: PubMed 10227394; PubMed 17304050.

NM_000368.5(TSC1):c.147_157del (p.Tyr49_Ser53delinsTer)

Gene: TSC1 (TSC complex subunit 1; minus strand). Cytogenetic location: 9q34.13.
Variant type: Deletion.
Coding change: c.147_157del on transcript NM_000368.5 (MANE Select); coding-DNA positions 147 to 157, 11 bases deleted (CCTGGAAACCA).
Protein change: p.Tyr49_Ser53delinsTer.
Molecular consequence: nonsense. On other transcripts: frameshift variant (22), intron variant (1).
Genome position (GRCh38, 1-based): chr9:132,927,254-132,927,264, TGGTTTCCAGG deleted on the plus strand (CCTGGAAACCA on the coding strand, the reverse complement: TSC1 is on the minus strand); deleting any 11 consecutive bases within chr9:132,927,254-132,927,265 gives the same sequence; the c. name uses the placement nearest the transcript's 3' end. VCF-style (leftmost placement, unchanged base first): chr9-132927253-CTGGTTTCCAGG-C. GRCh37 (hg19) VCF-style: chr9-135802640-CTGGTTTCCAGG-C.
Other names: c.147_157del, p.Tyr49_Ser53delinsTer (NM_001162426.2, NM_001162427.2); c.146_156delACCTGGAAACC, p.Tyr49Terfs (NM_001406592.1, NM_001406593.1, NM_001406594.1 and 19 more transcripts); c.-343_-333delACCTGGAAACC (NM_001406615.1, NM_001406623.1); c.-310_-300delACCTGGAAACC (NM_001406616.1, NM_001406624.1); c.-732_-722delACCTGGAAACC (NM_001406626.1, NM_001406627.1, NM_001406628.1); c.-874_-864delACCTGGAAACC (NM_001406629.1); c.-948_-938delACCTGGAAACC (NM_001406630.1); c.-154+1503_-154+1513del (NM_001362177.2).
Identifiers: ClinVar variation 2096311 (VCV002096311.4), dbSNP rs2539112315, ClinGen allele CA2580079895.